The following is an entry in ClinVar:

ClinVar aggregate classification (germline): Likely benign. Review status: reviewed by expert panel (3 of 4 stars). 4 submissions from 4 submitters: Likely benign (1). 3 of the submissions do not count toward it. Last evaluated 2017-06-29.

Conditions:
Hereditary cancer-predisposing syndrome. Also called: Tumor predisposition; Hereditary Cancer Syndrome; Hereditary neoplastic syndrome; Neoplastic Syndromes, Hereditary. Identifiers: Orphanet 140162, MedGen C0027672, MeSH D009386, MONDO:0015356.
Hereditary breast ovarian cancer syndrome. Also called: Hereditary breast and ovarian cancer; Breast and ovarian cancer; BRCA1- and BRCA2-Associated Hereditary Breast and Ovarian Cancer; Hereditary breast and ovarian cancer syndrome; Hereditary breast and ovarian cancer syndrome (HBOC); Hereditary breast and/or ovarian cancer syndrome. Identifiers: Orphanet 145, MedGen C0677776, MeSH D061325, MONDO:0003582. Disease mechanism: loss of function.
Breast-ovarian cancer, familial, susceptibility to, 2 (BROVCA2). Also called: BRCA2 Hereditary Breast and Ovarian Cancer. Identifiers: Orphanet 145, MedGen C2675520, MONDO:0012933, OMIM 612555. Disease mechanism: loss of function.

Allele frequency attached by ClinVar (database versions not stated): TOPMed 0.00001.

Submissions (4):

Evidence-based Network for the Interpretation of Germline Mutant Alleles (ENIGMA)
Classification: Likely benign for Breast-ovarian cancer, familial, susceptibility to, 2. Last evaluated: 2017-06-29. Review status: reviewed by expert panel. Criteria: ENIGMA BRCA1/2 Classification Criteria (2017-06-29). Collection method: curation. Allele origin: germline.
Comment: Synonymous substitution variant, with low bioinformatic likelihood to result in a splicing aberration (Splicing prior probability 0.02).

Ambry Genetics
Classification: Likely benign for Hereditary cancer-predisposing syndrome. Last evaluated: 2024-09-05. Review status: criteria provided, single submitter. Criteria: Ambry Variant Classification Scheme 2023. Collection method: clinical testing. Allele origin: germline. Not counted in ClinVar's aggregate classification.

Labcorp Genetics (formerly Invitae), Labcorp
Classification: Likely benign for Hereditary breast ovarian cancer syndrome. Last evaluated: 2021-04-22. Review status: criteria provided, single submitter. Criteria: Invitae Variant Classification Sherloc (09022015). Collection method: clinical testing. Allele origin: germline. Not counted in ClinVar's aggregate classification.

GeneDx
Classification: Likely benign. Last evaluated: 2016-01-15. Review status: criteria provided, single submitter. Criteria: GeneDx Variant Classification (06012015). Collection method: clinical testing. Allele origin: germline. Affected: yes. Not counted in ClinVar's aggregate classification.
Comment: This variant is considered likely benign or benign based on one or more of the following criteria: it is a conservative change, it occurs at a poorly conserved position in the protein, it is predicted to be benign by multiple in silico algorithms, and/or has population frequency not consistent with disease.

NM_000059.4(BRCA2):c.1095A>T (p.Pro365=)

Gene: BRCA2 (BRCA2 DNA repair associated; plus strand). Cytogenetic location: 13q13.1.
Variant type: single nucleotide variant.
Coding change: c.1095A>T on transcript NM_000059.4 (MANE Select); coding-DNA position 1095, A replaced by T.
Protein change: p.Pro365=; no amino-acid change (proline 365 retained).
Molecular consequence: synonymous variant.
Genome position (GRCh38, 1-based): chr13:32,332,573, A>T. VCF-style: chr13-32332573-A-T. GRCh37 (hg19) VCF-style: chr13-32906710-A-T.
Identifiers: ClinVar variation 233148 (VCV000233148.14), dbSNP rs876660225, ClinGen allele CA10579481.
Genomic context (GRCh38, chr13:32,332,573, plus strand): 5'-AAACCAAGTGAAAGAAAAATACTCATTTGTATCTGAAGTGGAACCAAATGATACTGATCC[A>T]TTAGATTCAAATGTAGCAAATCAGAAGCCCTTTGAGAGTGGAAGTGACAAAATCTCCAAG-3'
Protein context (NP_000050.3, residues 355-375): VSEVEPNDTD[Pro365=]LDSNVANQKP